The following is an entry in ClinVar:

ClinVar aggregate classification (germline): Uncertain significance (1 of 4 stars; one submission).

Submission:

GeneDx
Classification: Uncertain significance. Last evaluated: 2024-03-22. Review status: criteria provided, single submitter. Criteria: GeneDx Variant Classification Process June 2021. Collection method: clinical testing. Allele origin: germline. Affected: yes.
Comment: Not observed at significant frequency in large population cohorts (gnomAD); In silico analysis supports that this missense variant has a deleterious effect on protein structure/function; Has not been previously published as pathogenic or benign to our knowledge

NM_021076.4(NEFH):c.1280C>T (p.Pro427Leu)

Gene: NEFH (neurofilament heavy chain; plus strand). Cytogenetic location: 22q12.2.
Variant type: single nucleotide variant.
Coding change: c.1280C>T on transcript NM_021076.4 (MANE Select); coding-DNA position 1280, C replaced by T.
Protein change: p.Pro427Leu; replaces proline 427 with leucine.
Molecular consequence: missense variant.
Genome position (GRCh38, 1-based): chr22:29,488,920, C>T. VCF-style: chr22-29488920-C-T. GRCh37 (hg19) VCF-style: chr22-29884909-C-T.
Other names: short protein forms P427L.
Identifiers: ClinVar variation 3371187 (VCV003371187.1).